The following is an entry in ClinVar:

ClinVar aggregate classification (germline): Benign/Likely benign. Review status: criteria provided, multiple submitters, no conflicts (2 of 4 stars). 10 submissions from 10 submitters: Benign (1); Likely benign (8). 1 of the submissions does not count toward it. Last evaluated 2025-12-10.

Conditions:
Hereditary cancer-predisposing syndrome. Also called: Tumor predisposition; Hereditary Cancer Syndrome; Neoplastic Syndromes, Hereditary; Hereditary neoplastic syndrome. Identifiers: Orphanet 140162, MedGen C0027672, MeSH D009386, MONDO:0015356.
Multiple endocrine neoplasia, type 1 (MEN1). Also called: Endocrine adenomatosis multiple; MEN 1; MEN I; WERMER SYNDROME; MEA I. Identifiers: Orphanet 652, MedGen C0025267, MeSH D018761, MONDO:0007540, OMIM 131100.
MEN1-related disorder. Also called: MEN1-related condition.

Allele frequency attached by ClinVar (database versions not stated): gnomAD exomes 0.00002; gnomAD 0.00003 and 0.00004; ExAC 0.00004; TOPMed 0.00004.
gnomAD v4.1: 24 of 1,596,614 alleles (0.0015%); highest among the groups gnomAD compares: African/African-American, 0.0053%; no homozygotes.

Submissions (10):

Labcorp Genetics (formerly Invitae), Labcorp
Classification: Likely benign for Multiple endocrine neoplasia, type 1. Last evaluated: 2025-12-10. Review status: criteria provided, single submitter. Criteria: Invitae Variant Classification Sherloc (09022015). Collection method: clinical testing. Allele origin: germline.

Myriad Genetics, Inc.
Classification: Benign for Multiple endocrine neoplasia, type 1. Last evaluated: 2024-11-05. Review status: criteria provided, single submitter. Criteria: Myriad Autosomal Dominant, Autosomal Recessive and X-Linked Classification Criteria (2023). Collection method: clinical testing. Allele origin: unknown.
Comment: This variant is considered benign. This variant is a silent/synonymous amino acid change and it is not expected to impact splicing.

ARUP Laboratories, Molecular Genetics and Genomics, ARUP Laboratories
Classification: Likely benign. Last evaluated: 2024-10-09. Review status: criteria provided, single submitter. Criteria: ARUP Molecular Germline Variant Investigation Process 2024. Collection method: clinical testing. Allele origin: germline.

CeGaT Center for Human Genetics Tuebingen
Classification: Likely benign. Last evaluated: 2024-09-01. Review status: criteria provided, single submitter. Criteria: CeGaT Center For Human Genetics Tuebingen Variant Classification Criteria Version 2. Collection method: clinical testing. Allele origin: germline. Affected: yes. Observed: 1 variant allele.
Comment: MEN1: BP4, BP7

Women's Health and Genetics/Laboratory Corporation of America, LabCorp
Classification: Likely benign. Last evaluated: 2024-06-06. Review status: criteria provided, single submitter. Criteria: LabCorp Variant Classification Summary - May 2015. Collection method: clinical testing. Allele origin: germline.

All of Us Research Program, National Institutes of Health
Classification: Likely benign for Multiple endocrine neoplasia, type 1. Last evaluated: 2023-10-30. Review status: criteria provided, single submitter. Criteria: ACMG Guidelines, 2015. Collection method: clinical testing. Allele origin: germline. Inheritance: Autosomal dominant inheritance. Observed: 10 variant alleles, 10 heterozygotes.
Comment: This study involves interpretation of variants in research participants for the purpose of population health screening. Participant phenotype was not available at the time of variant classification. Additional details can be found in publication PMID: 35346344, PMCID: PMC8962531

Blueprint Genetics
Classification: Likely benign. Last evaluated: 2023-08-10. Review status: criteria provided, single submitter. Criteria: ACMG Guidelines, 2015. Collection method: clinical testing. Allele origin: germline.

Color Diagnostics, LLC DBA Color Health
Classification: Likely benign for Multiple endocrine neoplasia, type 1. Last evaluated: 2023-02-21. Review status: criteria provided, single submitter. Criteria: ACMG Guidelines, 2015. Collection method: clinical testing. Allele origin: germline.

Ambry Genetics
Classification: Likely benign for Hereditary cancer-predisposing syndrome. Last evaluated: 2015-10-16. Review status: criteria provided, single submitter. Criteria: Ambry Variant Classification Scheme 2023. Collection method: clinical testing. Allele origin: germline.

PreventionGenetics, part of Exact Sciences
Classification: Likely benign for MEN1-related condition. Last evaluated: 2023-07-13. Review status: no assertion criteria provided. Collection method: clinical testing. Allele origin: germline. Not counted in ClinVar's aggregate classification.
Comment: This variant is classified as likely benign based on ACMG/AMP sequence variant interpretation guidelines (Richards et al. 2015 PMID: 25741868, with internal and published modifications).

NM_001370259.2(MEN1):c.1401C>T (p.Ala467=)

Gene: MEN1 (menin 1; minus strand). Cytogenetic location: 11q13.1.
Variant type: single nucleotide variant.
Coding change: c.1401C>T on transcript NM_001370259.2 (MANE Select); coding-DNA position 1401, C replaced by T.
Protein change: p.Ala467=; no amino-acid change (alanine 467 retained).
Molecular consequence: synonymous variant.
Genome position (GRCh38, 1-based): chr11:64,804,766, G>A on the plus strand (C>T on the coding strand, the complement: MEN1 is on the minus strand). VCF-style: chr11-64804766-G-A. GRCh37 (hg19) VCF-style: chr11-64572238-G-A.
Other names: c.1416C>T, p.Ala472= (NM_000244.4, NM_130800.3, NM_130801.3 and 3 more transcripts); c.1527C>T, p.Ala509= (NM_001370251.2); c.1401C>T, p.Ala467= (NM_001370260.2, NM_001370261.2, NM_130799.3); c.1296C>T, p.Ala432= (NM_001370262.2, NM_001370263.2); c.1416C>T (NM_000244.3).
Identifiers: ClinVar variation 241805 (VCV000241805.38), dbSNP rs878855190, ClinGen allele CA6082218.
Genomic context (GRCh38, chr11:64,804,766, plus strand): 5'-GGACTCCCGCCGTGGGCCCCGCCGCCGGCCTTCCCGGGCTTCCTCGCCCCACGGCTCCTC[G>A]GCCTCGGCCGCCTCGGCCTCTCGGCTCACTATGCGCACCTTCTGCCGCACCTGGGCCAGT-3'
Protein context (NP_001357188.2, residues 457-477): IVSREAEAAE[Ala467=]EEPWGEEARE